The following is an entry in ClinVar:

NM_182588.3(RGPD4):c.4015G>T (p.Val1339Phe)

Gene: RGPD4 (RANBP2 like and GRIP domain containing 4; plus strand). Cytogenetic location: 2q12.3.
Variant type: single nucleotide variant.
Coding change: c.4015G>T on transcript NM_182588.3 (MANE Select); coding-DNA position 4015, G replaced by T.
Protein change: p.Val1339Phe; replaces valine 1339 with phenylalanine.
Molecular consequence: missense variant.
Genome position (GRCh38, 1-based): chr2:107,872,019, G>T. VCF-style: chr2-107872019-G-T. GRCh37 (hg19) VCF-style: chr2-108488475-G-T.
Other names: NC_000002.11:g.108488475G>T; short protein forms V1339F.
Identifiers: ClinVar variation 4502025 (VCV004502025.7).
Genomic context (GRCh38, chr2:107,872,019, plus strand): 5'-GATGAAGAATCTGATGTTACTCAAGAAGAAGAGAGAGATGGACAGTACTTTGAACCTGTT[G>T]TTCCTTTACCTGATCTAGTTGAAGTATCCAGTGGTGAGGAAAATGAAAAAGTTGTTTTTA-3'
Protein context (NP_872394.2, residues 1329-1349): ERDGQYFEPV[Val1339Phe]PLPDLVEVSS

ClinVar aggregate classification (germline): Likely benign (1 of 4 stars; one submission).

gnomAD v4.1: 7,838 of 1,611,364 alleles (0.49%); highest among the groups gnomAD compares: Admixed American, 0.84%; 37 homozygotes.

Submissions (3):

CeGaT Center for Human Genetics Tuebingen
Classification: Likely benign. Last evaluated: 2025-11-01. Review status: criteria provided, single submitter. Criteria: CeGaT Center For Human Genetics Tuebingen Variant Classification Criteria Version 2. Collection method: clinical testing. Allele origin: germline. Affected: yes. Observed: 1 variant allele.
Comment: RGPD4: BS2

Dr. Peter K. Rogan Lab, Western University
No classification provided (evidence only). Condition: Colorectal cancer. Review status: no classification provided. Collection method: in vitro. Allele origin: not applicable. Functional consequence: retained intron. Not counted in ClinVar's aggregate classification.

Dr. Peter K. Rogan Lab, Western University
No classification provided (evidence only). Condition: Hepatocellular carcinoma. Review status: no classification provided. Collection method: in vitro. Allele origin: not applicable. Functional consequence: retained intron. Not counted in ClinVar's aggregate classification.